The following is an entry in ClinVar:

NM_178161.3(PTF1A):c.713G>A (p.Gly238Asp)

Gene: PTF1A (pancreas associated transcription factor 1a; plus strand). Cytogenetic location: 10p12.2.
Variant type: single nucleotide variant.
Coding change: c.713G>A on transcript NM_178161.3 (MANE Select); coding-DNA position 713, G replaced by A.
Protein change: p.Gly238Asp; replaces glycine 238 with aspartic acid.
Molecular consequence: missense variant.
Genome position (GRCh38, 1-based): chr10:23,193,243, G>A. VCF-style: chr10-23193243-G-A. GRCh37 (hg19) VCF-style: chr10-23482172-G-A.
Other names: short protein forms G238D.
Identifiers: ClinVar variation 1979771 (VCV001979771.5), dbSNP rs1198450917, ClinGen allele CA376263199.

ClinVar aggregate classification (germline): Uncertain significance. Review status: criteria provided, multiple submitters, no conflicts (2 of 4 stars). 2 submissions from 2 submitters: Uncertain significance (2). Last evaluated 2022-05-04.

Conditions:
Inborn genetic diseases. Identifiers: MedGen C0950123, MeSH D030342.

Allele frequency attached by ClinVar (database versions not stated): gnomAD exomes below 0.00001; TOPMed 0.00003; gnomAD 0.00005.
gnomAD v4.1: 11 of 1,246,406 alleles (0.00088%); highest among the groups gnomAD compares: African/African-American, 0.017%; no homozygotes.

Submissions (2):

Labcorp Genetics (formerly Invitae), Labcorp
Classification: Uncertain significance. Last evaluated: 2022-05-04. Review status: criteria provided, single submitter. Criteria: Invitae Variant Classification Sherloc (09022015). Collection method: clinical testing. Allele origin: germline.
Comment: In summary, the available evidence is currently insufficient to determine the role of this variant in disease. Therefore, it has been classified as a Variant of Uncertain Significance. Algorithms developed to predict the effect of missense changes on protein structure and function are either unavailable or do not agree on the potential impact of this missense change (SIFT: "Deleterious"; PolyPhen-2: "Not Available"; Align-GVGD: "Class C0"). This variant has not been reported in the literature in individuals affected with PTF1A-related conditions. This variant is not present in population databases (gnomAD no frequency). This sequence change replaces glycine, which is neutral and non-polar, with aspartic acid, which is acidic and polar, at codon 238 of the PTF1A protein (p.Gly238Asp).

Ambry Genetics
Classification: Uncertain significance for Inborn genetic diseases. Last evaluated: 2021-10-27. Review status: criteria provided, single submitter. Criteria: Ambry Variant Classification Scheme 2023. Collection method: clinical testing. Allele origin: germline.